The following is an entry in ClinVar:

NM_001363.5(DKC1):c.1481G>A (p.Ser494Asn)

Gene: DKC1 (dyskerin pseudouridine synthase 1; plus strand). Cytogenetic location: Xq28.
Variant type: single nucleotide variant.
Coding change: c.1481G>A on transcript NM_001363.5 (MANE Select); coding-DNA position 1481, G replaced by A.
Protein change: p.Ser494Asn; replaces serine 494 with asparagine.
Molecular consequence: missense variant. On other transcripts: 3 prime UTR variant (1), non-coding transcript variant (3).
Genome position (GRCh38, 1-based): chrX:154,776,803, G>A. VCF-style: chrX-154776803-G-A. GRCh37 (hg19) VCF-style: chrX-154005078-G-A.
Other names: c.1466G>A, p.Ser489Asn (NM_001142463.3); c.*707G>A (NM_001288747.2); short protein forms S489N, S494N.
Identifiers: ClinVar variation 1019961 (VCV001019961.7), dbSNP rs1557265768, ClinGen allele CA414900662.

ClinVar aggregate classification (germline): Uncertain significance (1 of 4 stars; one submission).

Conditions:
Dyskeratosis congenita. Identifiers: Orphanet 1775, MedGen C0265965, MONDO:0015780.

Allele frequency attached by ClinVar (database versions not stated): gnomAD exomes below 0.00001 and 0.00001.
gnomAD v4.1: 2 of 1,207,761 alleles (0.00017%); highest among the groups gnomAD compares: East Asian, 0.003%; no homozygotes.

Submission:

Labcorp Genetics (formerly Invitae), Labcorp
Classification: Uncertain significance for Dyskeratosis congenita. Last evaluated: 2022-03-07. Review status: criteria provided, single submitter. Criteria: Invitae Variant Classification Sherloc (09022015). Collection method: clinical testing. Allele origin: germline.
Comment: This sequence change replaces serine, which is neutral and polar, with asparagine, which is neutral and polar, at codon 494 of the DKC1 protein (p.Ser494Asn). This variant is present in population databases (no rsID available, gnomAD 0.008%). This variant has not been reported in the literature in individuals affected with DKC1-related conditions. ClinVar contains an entry for this variant (Variation ID: 1019961). Algorithms developed to predict the effect of missense changes on protein structure and function output the following: SIFT: "Tolerated"; PolyPhen-2: "Probably Damaging"; Align-GVGD: "Class C0". The asparagine amino acid residue is found in multiple mammalian species, which suggests that this missense change does not adversely affect protein function. Algorithms developed to predict the effect of sequence changes on RNA splicing suggest that this variant may disrupt the consensus splice site. In summary, the available evidence is currently insufficient to determine the role of this variant in disease. Therefore, it has been classified as a Variant of Uncertain Significance.